The following is an entry in ClinVar:

ClinVar aggregate classification (germline): Benign (1 of 4 stars; one submission).

Allele frequency attached by ClinVar (database versions not stated): 1000 Genomes Project 30x 0.00250; 1000 Genomes Project 0.00280; TOPMed 0.00626; gnomAD 0.00674; ESP Exome Variant Server 0.00841; gnomAD exomes 0.01062; ExAC 0.01223.
gnomAD v4.1: 16,388 of 1,599,954 alleles (1%); highest among the groups gnomAD compares: Non-Finnish European, 1.2%; 90 homozygotes.

Submission:

CeGaT Center for Human Genetics Tuebingen
Classification: Benign. Last evaluated: 2026-07-01. Review status: criteria provided, single submitter. Criteria: CeGaT Center For Human Genetics Tuebingen Variant Classification Criteria Version 2. Collection method: clinical testing. Allele origin: germline. Affected: yes. Observed: 10 variant alleles.
Comment: CFAP74: BP4, BP7, BS1, BS2

NM_001304360.2(CFAP74):c.4473C>T (p.Pro1491=)

Gene: CFAP74 (cilia and flagella associated protein 74; minus strand). Cytogenetic location: 1p36.33.
Variant type: single nucleotide variant.
Coding change: c.4473C>T on transcript NM_001304360.2 (MANE Select); coding-DNA position 4473, C replaced by T.
Protein change: p.Pro1491=; no amino-acid change (proline 1491 retained).
Molecular consequence: synonymous variant.
Genome position (GRCh38, 1-based): chr1:1,923,416, G>A on the plus strand (C>T on the coding strand, the complement: CFAP74 is on the minus strand). VCF-style: chr1-1923416-G-A. GRCh37 (hg19) VCF-style: chr1-1854855-G-A.
Identifiers: ClinVar variation 2638066 (VCV002638066.24), dbSNP rs142831649, ClinGen allele CA532839.